The following is an entry in ClinVar:

ClinVar aggregate classification (germline): Conflicting classifications of pathogenicity. Review status: criteria provided, conflicting classifications (1 of 4 stars). 3 submissions from 3 submitters: Uncertain significance (2); Benign (1). Last evaluated 2023-07-07.

Conditions:
Inborn genetic diseases. Identifiers: MedGen C0950123, MeSH D030342.

gnomAD v4.1: 2 of 1,590,166 alleles (0.00013%); highest among the groups gnomAD compares: African/African-American, 0.0013%; no homozygotes.

Submissions (3):

Labcorp Genetics (formerly Invitae), Labcorp
Classification: Benign. Last evaluated: 2023-07-07. Review status: criteria provided, single submitter. Criteria: Invitae Variant Classification Sherloc (09022015). Collection method: clinical testing. Allele origin: germline.

Ambry Genetics
Classification: Uncertain significance for Inborn genetic diseases. Last evaluated: 2021-06-17. Review status: criteria provided, single submitter. Criteria: Ambry Variant Classification Scheme 2023. Collection method: clinical testing. Allele origin: germline.

GeneDx
Classification: Uncertain significance. Last evaluated: 2019-11-15. Review status: criteria provided, single submitter. Criteria: GeneDx Variant Classification Process June 2021. Collection method: clinical testing. Allele origin: germline. Affected: yes.
Comment: Not observed in large population cohorts (Lek et al., 2016); In silico analysis, which includes protein predictors and evolutionary conservation, supports that this variant does not alter protein structure/function; Has not been previously published as pathogenic or benign to our knowledge

NM_001205293.3(CACNA1E):c.3011C>A (p.Thr1004Asn)

Gene: CACNA1E (calcium voltage-gated channel subunit alpha1 E; plus strand). Cytogenetic location: 1q25.3.
Variant type: single nucleotide variant.
Coding change: c.3011C>A on transcript NM_001205293.3 (MANE Select); coding-DNA position 3011, C replaced by A.
Protein change: p.Thr1004Asn; replaces threonine 1004 with asparagine.
Molecular consequence: missense variant.
Genome position (GRCh38, 1-based): chr1:181,733,499, C>A. VCF-style: chr1-181733499-C-A. GRCh37 (hg19) VCF-style: chr1-181702635-C-A.
Other names: c.3011C>A, p.Thr1004Asn (NM_000721.4); c.2954C>A, p.Thr985Asn (NM_001205294.2); c.3011C>A (NM_001205293.1); short protein forms T1004N, T985N.
Identifiers: ClinVar variation 1303935 (VCV001303935.10), dbSNP rs1655719165, ClinGen allele CA343620601.